The following is an entry in ClinVar:

NM_001378969.1(KCND3):c.1372-4C>T

Gene: KCND3 (potassium voltage-gated channel subfamily D member 3; minus strand). Cytogenetic location: 1p13.2.
Variant type: single nucleotide variant.
Coding change: c.1372-4C>T on transcript NM_001378969.1 (MANE Select); 4 bases into the intron before coding-DNA position 1372, C replaced by T.
Molecular consequence: intron variant.
Genome position (GRCh38, 1-based): chr1:111,780,318, G>A on the plus strand (C>T on the coding strand, the complement: KCND3 is on the minus strand). VCF-style: chr1-111780318-G-A. GRCh37 (hg19) VCF-style: chr1-112322940-G-A.
Other names: p.?; c.1372-4C>T (NM_001378970.1, NM_172198.3, NM_004980.5).
Identifiers: ClinVar variation 1771067 (VCV001771067.10), dbSNP rs747160429, ClinGen allele CA1007440.

ClinVar aggregate classification (germline): Likely benign. Review status: criteria provided, multiple submitters, no conflicts (2 of 4 stars). 4 submissions from 4 submitters: Likely benign (4). Last evaluated 2025-10-27.

Conditions:
Spinocerebellar ataxia type 19/22 (SCA19). Also called: SPINOCEREBELLAR ATAXIA 19; SPINOCEREBELLAR ATAXIA 22. Identifiers: Orphanet 98772, MedGen C1846367, MONDO:0011819, OMIM 607346.
Cardiovascular phenotype. Identifiers: MedGen CN230736.

Allele frequency attached by ClinVar (database versions not stated): TOPMed 0.00003.
gnomAD v4.1: 144 of 1,560,178 alleles (0.0092%); highest among the groups gnomAD compares: Non-Finnish European, 0.011%; no homozygotes.

Submissions (4):

Labcorp Genetics (formerly Invitae), Labcorp
Classification: Likely benign for Spinocerebellar ataxia type 19/22. Last evaluated: 2025-10-27. Review status: criteria provided, single submitter. Criteria: Invitae Variant Classification Sherloc (09022015). Collection method: clinical testing. Allele origin: germline.

Ambry Genetics
Classification: Likely benign for Cardiovascular phenotype. Last evaluated: 2025-10-01. Review status: criteria provided, single submitter. Criteria: Ambry Variant Classification Scheme 2023. Collection method: clinical testing. Allele origin: germline.

Mayo Clinic Laboratories, Mayo Clinic
Classification: Likely benign. Last evaluated: 2025-03-14. Review status: criteria provided, single submitter. Criteria: ACMG Guidelines, 2015. Collection method: clinical testing. Allele origin: germline. Observed: 1 variant allele.
Comment: BP4, BP7

Blueprint Genetics
Classification: Likely benign. Last evaluated: 2024-11-20. Review status: criteria provided, single submitter. Criteria: ACMG Guidelines, 2015. Collection method: clinical testing. Allele origin: germline.